The following is an entry in ClinVar:

ClinVar aggregate classification (germline): Uncertain significance (1 of 4 stars; one submission).

Conditions:
Amyotrophic lateral sclerosis type 4 (ALS4). Also called: AMYOTROPHIC LATERAL SCLEROSIS 4, JUVENILE; NEURONOPATHY, DISTAL HEREDITARY MOTOR, WITH PYRAMIDAL FEATURES. Identifiers: Orphanet 357043, MedGen C1865409, MONDO:0011223, OMIM 602433.
Spinocerebellar ataxia, autosomal recessive, with axonal neuropathy 2 (SCAN2). Also called: ATAXIA-OCULOMOTOR APRAXIA 2; Ataxia-ocular apraxia-2; Ataxia with Oculomotor Apraxia Type 2; Ataxia with Oculomotor Apraxia. Identifiers: Orphanet 64753, MedGen C1853761, MONDO:0018996, OMIM 606002.

Submission:

Labcorp Genetics (formerly Invitae), Labcorp
Classification: Uncertain significance for Amyotrophic lateral sclerosis type 4; Spinocerebellar ataxia, autosomal recessive, with axonal neuropathy 2. Last evaluated: 2025-01-06. Review status: criteria provided, single submitter. Criteria: Invitae Variant Classification Sherloc (09022015). Collection method: clinical testing. Allele origin: germline.
Comment: This sequence change replaces valine, which is neutral and non-polar, with isoleucine, which is neutral and non-polar, at codon 2013 of the SETX protein (p.Val2013Ile). This variant is not present in population databases (gnomAD no frequency). This variant has not been reported in the literature in individuals affected with SETX-related conditions. ClinVar contains an entry for this variant (Variation ID: 2940310). Invitae Evidence Modeling of protein sequence and biophysical properties (such as structural, functional, and spatial information, amino acid conservation, physicochemical variation, residue mobility, and thermodynamic stability) indicates that this missense variant is not expected to disrupt SETX protein function with a negative predictive value of 95%. In summary, the available evidence is currently insufficient to determine the role of this variant in disease. Therefore, it has been classified as a Variant of Uncertain Significance.

NM_015046.7(SETX):c.6037G>A (p.Val2013Ile)

Gene: SETX (senataxin; minus strand). Cytogenetic location: 9q34.13.
Variant type: single nucleotide variant.
Coding change: c.6037G>A on transcript NM_015046.7 (MANE Select); coding-DNA position 6037, G replaced by A.
Protein change: p.Val2013Ile; replaces valine 2013 with isoleucine.
Molecular consequence: missense variant.
Genome position (GRCh38, 1-based): chr9:132,295,941, C>T on the plus strand (G>A on the coding strand, the complement: SETX is on the minus strand). VCF-style: chr9-132295941-C-T. GRCh37 (hg19) VCF-style: chr9-135171328-C-T.
Other names: c.6037G>A, p.Val2013Ile (NM_001351527.2, NM_001351528.2); short protein forms V2013I.
Identifiers: ClinVar variation 2940310 (VCV002940310.3), dbSNP rs2538960731, ClinGen allele CA375342468.